The following is an entry in ClinVar:

NM_001369.3(DNAH5):c.13593_13594delinsAT (p.Gly4532Cys)

Gene: DNAH5 (dynein axonemal heavy chain 5; minus strand). Cytogenetic location: 5p15.2.
Variant type: Indel.
Coding change: c.13593_13594delinsAT on transcript NM_001369.3 (MANE Select); coding-DNA positions 13593 to 13594, GG replaced by AT.
Protein change: p.Gly4532Cys; replaces glycine 4532 with cysteine.
Molecular consequence: missense variant.
Genome position (GRCh38, 1-based): chr5:13,700,769-13,700,770, CC replaced by AT on the plus strand (GG replaced by AT on the coding strand, the reverse complement: DNAH5 is on the minus strand). VCF-style: chr5-13700769-CC-AT. GRCh37 (hg19) VCF-style: chr5-13700878-CC-AT.
Other names: short protein forms G4532C.
Identifiers: ClinVar variation 2758577 (VCV002758577.3), dbSNP rs2546467219, ClinGen allele CA2697547014.
Genomic context (GRCh38, chr5:13,700,769, plus strand): 5'-GTTTCATGTTCCTCTTGTCCCAGCCAGCACCTTCAAGATATAAGCCATAGACATAGACAC[CC>AT]TCTGTGGGAGGGGCAGAAATGTCGTCCTTCATCCATTTGGTGACTTCATTGCAAAGCACC-3'
Protein context (NP_001360.1, residues 4522-4542): KDDISAPPTE[Gly4532Cys]VYVYGLYLEG

ClinVar aggregate classification (germline): Uncertain significance (1 of 4 stars; one submission).

Conditions:
Primary ciliary dyskinesia. Also called: Ciliary dyskinesia. Identifiers: Orphanet 244, MedGen C0008780, MONDO:0016575, HP:0012265.

Submission:

Labcorp Genetics (formerly Invitae), Labcorp
Classification: Uncertain significance for Primary ciliary dyskinesia. Last evaluated: 2024-06-24. Review status: criteria provided, single submitter. Criteria: Invitae Variant Classification Sherloc (09022015). Collection method: clinical testing. Allele origin: germline.
Comment: This sequence change replaces glycine, which is neutral and non-polar, with cysteine, which is neutral and slightly polar, at codon 4532 of the DNAH5 protein (p.Gly4532Cys). Information on the frequency of this variant in the gnomAD database is not available, as this variant may be reported differently in the database. This missense change has been observed in individual(s) with clinical features of DNAH5-related conditions (Invitae). Experimental studies and prediction algorithms are not available or were not evaluated, and the functional significance of this variant is currently unknown. In summary, the available evidence is currently insufficient to determine the role of this variant in disease. Therefore, it has been classified as a Variant of Uncertain Significance.